The following is an entry in ClinVar:

NM_003803.4(MYOM1):c.4271G>A (p.Gly1424Glu)

Gene: MYOM1 (myomesin 1; minus strand). Cytogenetic location: 18p11.31.
Variant type: single nucleotide variant.
Coding change: c.4271G>A on transcript NM_003803.4 (MANE Select); coding-DNA position 4271, G replaced by A.
Protein change: p.Gly1424Glu; replaces glycine 1424 with glutamic acid.
Molecular consequence: missense variant.
Genome position (GRCh38, 1-based): chr18:3,085,113, C>T on the plus strand (G>A on the coding strand, the complement: MYOM1 is on the minus strand). VCF-style: chr18-3085113-C-T. GRCh37 (hg19) VCF-style: chr18-3085111-C-T.
Other names: c.3983G>A, p.Gly1328Glu (NM_019856.2); short protein forms G1328E, G1424E.
Identifiers: ClinVar variation 846561 (VCV000846561.9), dbSNP rs752659443, ClinGen allele CA8873989.
Genomic context (GRCh38, chr18:3,085,113, plus strand): 5'-ACAAGCTTCAGTCTGCTCTTATCTTTTCCTCGGTCATCTTTCAGGATAACTTCATAAATC[C>T]CAGCATCTTTCTTGGAAAACTAAGGGGGAATAGATATACCACATTGCACCTTTCGTAGCC-3'
Protein context (NP_003794.3, residues 1414-1434): LITEFSKKDA[Gly1424Glu]IYEVILKDDR

ClinVar aggregate classification (germline): Uncertain significance (1 of 4 stars; one submission).

Conditions:
Hypertrophic cardiomyopathy. Also called: HYPERTROPHIC MYOCARDIOPATHY. Identifiers: Orphanet 217569, MedGen C0007194, MeSH D002312, MONDO:0005045, HP:0001639.

Allele frequency attached by ClinVar (database versions not stated): TOPMed below 0.00001; gnomAD 0.00001; gnomAD exomes 0.00001 and 0.00004; ExAC 0.00004.
gnomAD v4.1: 10 of 1,608,052 alleles (0.00062%); highest among the groups gnomAD compares: East Asian, 0.02%; no homozygotes.

Submission:

Labcorp Genetics (formerly Invitae), Labcorp
Classification: Uncertain significance for Hypertrophic cardiomyopathy. Last evaluated: 2024-08-29. Review status: criteria provided, single submitter. Criteria: Invitae Variant Classification Sherloc (09022015). Collection method: clinical testing. Allele origin: germline.
Comment: This sequence change replaces glycine, which is neutral and non-polar, with glutamic acid, which is acidic and polar, at codon 1424 of the MYOM1 protein (p.Gly1424Glu). This variant is present in population databases (rs752659443, gnomAD 0.05%). This missense change has been observed in individual(s) with restrictive cardiomyopathy, atrial fibrillation, and/or long QT syndrome (PMID: 27662471). ClinVar contains an entry for this variant (Variation ID: 846561). Invitae Evidence Modeling of protein sequence and biophysical properties (such as structural, functional, and spatial information, amino acid conservation, physicochemical variation, residue mobility, and thermodynamic stability) indicates that this missense variant is expected to disrupt MYOM1 protein function with a positive predictive value of 80%. In summary, the available evidence is currently insufficient to determine the role of this variant in disease. Therefore, it has been classified as a Variant of Uncertain Significance.

Literature cited by the submitters: PubMed 27662471.